The following is an entry in ClinVar:

ClinVar aggregate classification (germline): Conflicting classifications of pathogenicity. Review status: criteria provided, conflicting classifications (1 of 4 stars). 2 submissions from 2 submitters: Uncertain significance (1); Likely benign (1). Last evaluated 2024-01-08.

Allele frequency attached by ClinVar (database versions not stated): ExAC 0.00037; ESP Exome Variant Server 0.00049; gnomAD 0.00055; gnomAD exomes 0.00059; TOPMed 0.00087.
gnomAD v4.1: 963 of 1,614,044 alleles (0.06%); highest among the groups gnomAD compares: Admixed American, 0.095%; 3 homozygotes.

Submissions (2):

Ambry Genetics
Classification: Uncertain significance. Last evaluated: 2024-01-08. Review status: criteria provided, single submitter. Criteria: Ambry Variant Classification Scheme 2023. Collection method: clinical testing. Allele origin: germline.

CeGaT Center for Human Genetics Tuebingen
Classification: Likely benign. Last evaluated: 2023-03-01. Review status: criteria provided, single submitter. Criteria: CeGaT Center For Human Genetics Tuebingen Variant Classification Criteria Version 2. Collection method: clinical testing. Allele origin: germline. Affected: yes. Observed: 1 variant allele.
Comment: PEAK1: BP4

NM_001385026.1(PEAK1):c.2348C>T (p.Thr783Ile)

Gene: PEAK1 (pseudopodium enriched atypical kinase 1; minus strand). Cytogenetic location: 15q24.3.
Variant type: single nucleotide variant.
Coding change: c.2348C>T on transcript NM_001385026.1 (MANE Select); coding-DNA position 2348, C replaced by T.
Protein change: p.Thr783Ile; replaces threonine 783 with isoleucine.
Molecular consequence: missense variant.
Genome position (GRCh38, 1-based): chr15:77,179,579, G>A on the plus strand (C>T on the coding strand, the complement: PEAK1 is on the minus strand). VCF-style: chr15-77179579-G-A. GRCh37 (hg19) VCF-style: chr15-77471921-G-A.
Other names: c.2348C>T (NM_024776.3); c.2348C>T, p.Thr783Ile (NM_001385027.1, NM_001387085.1, NM_001387086.1 and 1 more transcripts); short protein forms T783I.
Identifiers: ClinVar variation 2645590 (VCV002645590.25), dbSNP rs199682587, ClinGen allele CA7677024.